The following is an entry in ClinVar:

NM_005585.5(SMAD6):c.983C>T (p.Pro328Leu)

Gene: SMAD6 (SMAD family member 6; plus strand). Cytogenetic location: 15q22.31.
Variant type: single nucleotide variant.
Coding change: c.983C>T on transcript NM_005585.5 (MANE Select); coding-DNA position 983, C replaced by T.
Protein change: p.Pro328Leu; replaces proline 328 with leucine.
Molecular consequence: missense variant. On other transcripts: non-coding transcript variant (1).
Genome position (GRCh38, 1-based): chr15:66,781,027, C>T. VCF-style: chr15-66781027-C-T. GRCh37 (hg19) VCF-style: chr15-67073365-C-T.
Other names: c.983C>T (NM_005585.4); short protein forms P328L.
Identifiers: ClinVar variation 2719434 (VCV002719434.4), dbSNP rs372656673, ClinGen allele CA7626700.

ClinVar aggregate classification (germline): Uncertain significance. Review status: criteria provided, multiple submitters, no conflicts (2 of 4 stars). 2 submissions from 2 submitters: Uncertain significance (2). Last evaluated 2024-02-05.

Conditions:
Aortic valve disease 2 (AOVD2). Identifiers: MedGen C3542024, MONDO:0013902, OMIM 614823.
Inborn genetic diseases. Identifiers: MedGen C0950123, MeSH D030342.

Allele frequency attached by ClinVar (database versions not stated): gnomAD exomes 0.00002; TOPMed 0.00002; gnomAD 0.00003; ESP Exome Variant Server 0.00008.
gnomAD v4.1: 31 of 1,591,440 alleles (0.0019%); highest among the groups gnomAD compares: African/African-American, 0.0054%; no homozygotes.

Submissions (2):

Ambry Genetics
Classification: Uncertain significance for Inborn genetic diseases. Last evaluated: 2024-02-05. Review status: criteria provided, single submitter. Criteria: Ambry Variant Classification Scheme 2023. Collection method: clinical testing. Allele origin: germline.
Comment: The p.P328L variant (also known as c.983C>T), located in coding exon 4 of the SMAD6 gene, results from a C to T substitution at nucleotide position 983. The proline at codon 328 is replaced by leucine, an amino acid with similar properties. This amino acid position is conserved. In addition, the in silico prediction for this alteration is inconclusive. Based on the available evidence, the clinical significance of this alteration remains unclear.

Labcorp Genetics (formerly Invitae), Labcorp
Classification: Uncertain significance for Aortic valve disease 2. Last evaluated: 2023-07-10. Review status: criteria provided, single submitter. Criteria: Invitae Variant Classification Sherloc (09022015). Collection method: clinical testing. Allele origin: germline.
Comment: Advanced modeling of protein sequence and biophysical properties (such as structural, functional, and spatial information, amino acid conservation, physicochemical variation, residue mobility, and thermodynamic stability) performed at Invitae indicates that this missense variant is not expected to disrupt SMAD6 protein function. In summary, the available evidence is currently insufficient to determine the role of this variant in disease. Therefore, it has been classified as a Variant of Uncertain Significance. This variant has not been reported in the literature in individuals affected with SMAD6-related conditions. The frequency data for this variant in the population databases is considered unreliable, as metrics indicate poor data quality at this position in the gnomAD database. This sequence change replaces proline, which is neutral and non-polar, with leucine, which is neutral and non-polar, at codon 328 of the SMAD6 protein (p.Pro328Leu).